The following is an entry in ClinVar:

ClinVar aggregate classification (germline): Uncertain significance (1 of 4 stars; one submission).

Allele frequency attached by ClinVar (database versions not stated): gnomAD exomes below 0.00001; gnomAD 0.00001; TOPMed 0.00001.
gnomAD v4.1: 4 of 1,600,754 alleles (0.00025%); highest among the groups gnomAD compares: Non-Finnish European, 0.00034%; no homozygotes.

Submission:

Labcorp Genetics (formerly Invitae), Labcorp
Classification: Uncertain significance. Last evaluated: 2022-05-20. Review status: criteria provided, single submitter. Criteria: Invitae Variant Classification Sherloc (09022015). Collection method: clinical testing. Allele origin: germline.
Comment: This variant is present in population databases (no rsID available, gnomAD 0.007%). This sequence change replaces leucine, which is neutral and non-polar, with proline, which is neutral and non-polar, at codon 127 of the AASS protein (p.Leu127Pro). This variant has not been reported in the literature in individuals affected with AASS-related conditions. In summary, the available evidence is currently insufficient to determine the role of this variant in disease. Therefore, it has been classified as a Variant of Uncertain Significance. Algorithms developed to predict the effect of missense changes on protein structure and function are either unavailable or do not agree on the potential impact of this missense change (SIFT: "Deleterious"; PolyPhen-2: "Probably Damaging"; Align-GVGD: "Class C0").

NM_005763.4(AASS):c.380T>C (p.Leu127Pro)

Gene: AASS (aminoadipate-semialdehyde synthase; minus strand). Cytogenetic location: 7q31.32.
Variant type: single nucleotide variant.
Coding change: c.380T>C on transcript NM_005763.4 (MANE Select); coding-DNA position 380, T replaced by C.
Protein change: p.Leu127Pro; replaces leucine 127 with proline.
Molecular consequence: missense variant.
Genome position (GRCh38, 1-based): chr7:122,129,368, A>G on the plus strand (T>C on the coding strand, the complement: AASS is on the minus strand). VCF-style: chr7-122129368-A-G. GRCh37 (hg19) VCF-style: chr7-121769422-A-G.
Other names: short protein forms L127P.
Identifiers: ClinVar variation 1990892 (VCV001990892.4), dbSNP rs1375923557, ClinGen allele CA369023392.